The following is an entry in ClinVar:

ClinVar aggregate classification (germline): Benign (1 of 4 stars; one submission).

Allele frequency attached by ClinVar (database versions not stated): gnomAD 0.11377 and 0.11704; 1000 Genomes Project 0.05252; TOPMed 0.10300; 1000 Genomes Project 30x 0.05122.
gnomAD v4.1: 15,673 of 137,808 alleles (11%); highest among the groups gnomAD compares: Non-Finnish European, 16%; 1,102 homozygotes.

Submission:

GeneDx
Classification: Benign. Last evaluated: 2018-06-14. Review status: criteria provided, single submitter. Criteria: GeneDx Variant Classification (06012015). Collection method: clinical testing. Allele origin: germline. Affected: yes.
Comment: This variant is considered likely benign or benign based on one or more of the following criteria: it is a conservative change, it occurs at a poorly conserved position in the protein, it is predicted to be benign by multiple in silico algorithms, and/or has population frequency not consistent with disease.

NM_004415.4(DSP):c.422+275G>A

Gene: DSP (desmoplakin; plus strand). Cytogenetic location: 6p24.3.
Variant type: single nucleotide variant.
Coding change: c.422+275G>A on transcript NM_004415.4 (MANE Select); 275 bases into the intron after coding-DNA position 422, G replaced by A.
Molecular consequence: intron variant.
Genome position (GRCh38, 1-based): chr6:7,558,539, G>A. VCF-style: chr6-7558539-G-A. GRCh37 (hg19) VCF-style: chr6-7558772-G-A.
Other names: c.422+275G>A (NM_001319034.2, NM_001008844.3).
Identifiers: ClinVar variation 669428 (VCV000669428.1), dbSNP rs36122115, ClinGen allele CA12223684.